The following is an entry in ClinVar:

ClinVar aggregate classification (germline): Conflicting classifications of pathogenicity. Review status: criteria provided, conflicting classifications (1 of 4 stars). 3 submissions from 3 submitters: Uncertain significance (1); Benign (1); Likely benign (1). Last evaluated 2024-07-17.

Conditions:
Hereditary cancer-predisposing syndrome. Also called: Tumor predisposition; Neoplastic Syndromes, Hereditary; Hereditary Cancer Syndrome; Hereditary neoplastic syndrome. Identifiers: Orphanet 140162, MedGen C0027672, MeSH D009386, MONDO:0015356.
Microcephaly, normal intelligence and immunodeficiency (NBS). Also called: BERLIN BREAKAGE SYNDROME; Ataxia telangiectasia variant V1; IMMUNODEFICIENCY, MICROCEPHALY, AND CHROMOSOMAL INSTABILITY; SEEMANOVA SYNDROME II; Immunodeficiency, microcephaly with normal intelligence; Nijmegen breakage syndrome. Identifiers: Orphanet 647, MedGen C0398791, MONDO:0009623, OMIM 251260.

Submissions (3):

Labcorp Genetics (formerly Invitae), Labcorp
Classification: Benign for Microcephaly, normal intelligence and immunodeficiency. Last evaluated: 2024-07-17. Review status: criteria provided, single submitter. Criteria: Invitae Variant Classification Sherloc (09022015). Collection method: clinical testing. Allele origin: germline.

Sema4
Classification: Uncertain significance for Hereditary cancer-predisposing syndrome. Last evaluated: 2021-05-18. Review status: criteria provided, single submitter. Criteria: Sema4 Curation Guidelines. Collection method: curation. Allele origin: germline.
Comment: The NBN c.38-11dupA variant has not been reported in the literature to our knowledge. It was observed in 4/248874 chromosomes in the large and broad cohorts of the Genome Aggregation Database (PMID: 32461654). The variant has been reported in ClinVar (Variation ID: 492118). In silico tools suggest this variant has no impact on splicing, though these predictions have not been confirmed by functional studies. The evidence is insufficient to meet ACMG/AMP criteria for classifying the variant as benign or pathogenic. Thus, the clinical significance of this variant is currently uncertain.

GeneDx
Classification: Likely benign. Last evaluated: 2017-07-13. Review status: criteria provided, single submitter. Criteria: GeneDx Variant Classification (06012015). Collection method: clinical testing. Allele origin: germline. Affected: yes.
Comment: This variant is considered likely benign or benign based on one or more of the following criteria: it is a conservative change, it occurs at a poorly conserved position in the protein, it is predicted to be benign by multiple in silico algorithms, and/or has population frequency not consistent with disease.

NM_002485.5(NBN):c.38-11dup

Gene: NBN (nibrin; minus strand). Cytogenetic location: 8q21.3.
Variant type: Duplication.
Coding change: c.38-11dup on transcript NM_002485.5 (MANE Select); 11 bases into the intron before coding-DNA position 38, one base duplicated (A; older notation c.38-11dupA).
Molecular consequence: intron variant.
Genome position (GRCh38, 1-based): chr8:89,982,866, T duplicated on the plus strand (A on the coding strand, the reverse complement: NBN is on the minus strand); the first of 9 consecutive T bases (chr8:89,982,866-89,982,874); duplicating any one gives the same sequence. VCF-style (leftmost placement, unchanged base first): chr8-89982865-A-AT. GRCh37 (hg19) VCF-style: chr8-90995093-A-AT.
Other names: c.38-11dupA (NM_002485.4); c.-259-11dup (NM_001024688.3).
Identifiers: ClinVar variation 492118 (VCV000492118.12), dbSNP rs752004731, ClinGen allele CA4803069.
Genomic context (GRCh38, chr8:89,982,865, plus strand): 5'-TTTTCCTTCCAACAACGTACTCAACGCCAGTCAAAAGTCTGTATGGTTCTCCTGAGATAA[A>AT]TTTTTTTTTAAAAAAAGATAAGTTGATAGACACATACACATGTACACGAACACACACATA-3'